The following is an entry in ClinVar:

ClinVar aggregate classification (germline): Uncertain significance. Review status: criteria provided, multiple submitters, no conflicts (2 of 4 stars). 2 submissions from 2 submitters: Uncertain significance (2). Last evaluated 2025-08-18.

Conditions:
Hypokalemic periodic paralysis, type 1. Also called: Hypokalemic Periodic Paralysis Type 1 (AD); HypoPP. Identifiers: Orphanet 681, MedGen C3714580, MONDO:0042979, OMIM 170400.
Malignant hyperthermia, susceptibility to, 5 (MHS5). Also called: CACNA1S-Related Malignant Hyperthermia Susceptibility. Identifiers: Orphanet 423, MedGen C1866077, MONDO:0011163, OMIM 601887.

gnomAD v4.1: 12 of 1,614,022 alleles (0.00074%); highest among the groups gnomAD compares: Non-Finnish European, 0.001%; no homozygotes.

Submissions (2):

Labcorp Genetics (formerly Invitae), Labcorp
Classification: Uncertain significance for Hypokalemic periodic paralysis, type 1; Malignant hyperthermia, susceptibility to, 5. Last evaluated: 2025-08-18. Review status: criteria provided, single submitter. Criteria: Invitae Variant Classification Sherloc (09022015). Collection method: clinical testing. Allele origin: germline.
Comment: This sequence change replaces serine, which is neutral and polar, with tryptophan, which is neutral and slightly polar, at codon 516 of the CACNA1S protein (p.Ser516Trp). This variant is present in population databases (rs140662085, gnomAD 0.002%). This variant has not been reported in the literature in individuals affected with CACNA1S-related conditions. ClinVar contains an entry for this variant (Variation ID: 1057291). Invitae Evidence Modeling of protein sequence and biophysical properties (such as structural, functional, and spatial information, amino acid conservation, physicochemical variation, residue mobility, and thermodynamic stability) indicates that this missense variant is not expected to disrupt CACNA1S protein function with a negative predictive value of 95%. In summary, the available evidence is currently insufficient to determine the role of this variant in disease. Therefore, it has been classified as a Variant of Uncertain Significance.

All of Us Research Program, National Institutes of Health
Classification: Uncertain significance for Malignant hyperthermia, susceptibility to, 5. Last evaluated: 2024-04-10. Review status: criteria provided, single submitter. Criteria: ACMG Guidelines, 2015. Collection method: clinical testing. Allele origin: germline. Inheritance: Autosomal dominant inheritance. Observed: 5 variant alleles, 5 heterozygotes.
Comment: This missense variant replaces serine with tryptophan at codon 516 of the CACNA1S protein. Computational prediction suggests that this variant may not impact protein structure and function (internally defined REVEL score threshold <= 0.5, PMID: 27666373). To our knowledge, functional studies have not been reported for this variant. This variant has been reported in two individuals affected with malignant hyperthermia susceptibility (PMID: 26994242, 28259615). This variant has been identified in 3/282836 chromosomes in the general population by the Genome Aggregation Database (gnomAD). The available evidence is insufficient to determine the role of this variant in disease conclusively. Therefore, this variant is classified as a Variant of Uncertain Significance.

This study involves interpretation of variants in research participants for the purpose of population health screening. Participant phenotype was not available at the time of variant classification. Additional details can be found in publication PMID: 35346344, PMCID: PMC8962531

Literature cited by the submitters: PubMed 26994242 (cited by All of Us Research Program, National Institutes of Health); PubMed 28259615 (cited by All of Us Research Program, National Institutes of Health).

NM_000069.3(CACNA1S):c.1547C>G (p.Ser516Trp)

Gene: CACNA1S (calcium voltage-gated channel subunit alpha1 S; minus strand). Cytogenetic location: 1q32.1.
Variant type: single nucleotide variant.
Coding change: c.1547C>G on transcript NM_000069.3 (MANE Select); coding-DNA position 1547, C replaced by G.
Protein change: p.Ser516Trp; replaces serine 516 with tryptophan.
Molecular consequence: missense variant.
Genome position (GRCh38, 1-based): chr1:201,077,951, G>C on the plus strand (C>G on the coding strand, the complement: CACNA1S is on the minus strand). VCF-style: chr1-201077951-G-C. GRCh37 (hg19) VCF-style: chr1-201047079-G-C.
Other names: short protein forms S516W.
Identifiers: ClinVar variation 1057291 (VCV001057291.11), dbSNP rs140662085, ClinGen allele CA078386.
Genomic context (GRCh38, chr1:201,077,951, plus strand): 5'-AAGATCCTCAGGAGGCGGATGCAGCGGAGCACGGAGATGCCCAGGGGTGTCATGGCACCC[G>C]ACTCCACCAGCAGGATCTCCAGGATACCGCTACACACCACGAAGCAGTCGAAGCGGTTGA-3'
Protein context (NP_000060.2, residues 506-526): SGILEILLVE[Ser516Trp]GAMTPLGISV